The following is an entry in ClinVar:

NM_000218.3(KCNQ1):c.1520G>A (p.Arg507Gln)

Gene: KCNQ1 (potassium voltage-gated channel subfamily Q member 1; plus strand). Cytogenetic location: 11p15.5.
Variant type: single nucleotide variant.
Coding change: c.1520G>A on transcript NM_000218.3 (MANE Select); coding-DNA position 1520, G replaced by A.
Protein change: p.Arg507Gln; replaces arginine 507 with glutamine.
Molecular consequence: missense variant.
Genome position (GRCh38, 1-based): chr11:2,768,849, G>A. VCF-style: chr11-2768849-G-A. GRCh37 (hg19) VCF-style: chr11-2790079-G-A.
Other names: c.1424G>A, p.Arg475Gln (NM_001406836.1); c.1250G>A, p.Arg417Gln (NM_001406837.1); c.980G>A, p.Arg327Gln (NM_001406838.1); c.1139G>A, p.Arg380Gln (NM_181798.2); short protein forms R380Q, R507Q, R327Q, R417Q, R475Q.
Identifiers: ClinVar variation 519296 (VCV000519296.22), dbSNP rs369571296, ClinGen allele CA030713.
Genomic context (GRCh38, chr11:2,768,849, plus strand): 5'-GGGATGACCAGCACAGGGTGGCCACTCACAATCTCCTCTCCTCTCTCCACTGCAGGCTGC[G>A]GGAACACCATCGGGCCACCATTAAGGTCATTCGACGCATGCAGTACTTTGTGGCCAAGAA-3'
Protein context (NP_000209.2, residues 497-517): LTPITHISQL[Arg507Gln]EHHRATIKVI

ClinVar aggregate classification (germline): Uncertain significance. Review status: criteria provided, multiple submitters, no conflicts (2 of 4 stars). 6 submissions from 6 submitters: Uncertain significance (6). Last evaluated 2025-12-16.

Conditions:
Cardiac arrhythmia. Also called: Cardiac rhythm disease; Arrhythmia. Identifiers: MedGen C0003811, MONDO:0007263, HP:0011675.
Cardiovascular phenotype. Identifiers: MedGen CN230736.
Long QT syndrome (LQTS). Identifiers: MedGen C0023976, MeSH D008133, MONDO:0002442. Disease mechanism: loss of function. Inheritance: Various modes of inheritance.
Short QT syndrome type 2. Identifiers: Orphanet 51083, MedGen C1865019, MONDO:0012313, OMIM 609621.
Atrial fibrillation, familial, 3 (ATFB3). Identifiers: MedGen C1837014, MONDO:0011857, OMIM 607554.
Beckwith-Wiedemann syndrome (BWS). Also called: Exomphalos macroglossia gigantism syndrome; EMG SYNDROME. Identifiers: Orphanet 116, MedGen C0004903, MONDO:0007534, OMIM 130650.
Long QT syndrome 1 (LQT1). Identifiers: Orphanet 101016, Orphanet 768, MedGen C4551647, MONDO:0100316, OMIM 192500, MONDO:0008646.
Jervell and Lange-Nielsen syndrome 1 (JLNS1). Also called: PROLONGED QT INTERVAL IN EKG AND SUDDEN DEATH; CARDIOAUDITORY SYNDROME OF JERVELL AND LANGE-NIELSEN; DEAFNESS, CONGENITAL, AND FUNCTIONAL HEART DISEASE; SURDO-CARDIAC SYNDROME. Identifiers: Orphanet 768, Orphanet 90647, MedGen C4551509, MONDO:0024540, OMIM 220400.

Allele frequency attached by ClinVar (database versions not stated): gnomAD 0.00001 and 0.00002; gnomAD exomes 0.00002 and 0.00005; TOPMed 0.00002; ExAC 0.00005; ESP Exome Variant Server 0.00008.
gnomAD v4.1: 37 of 1,613,790 alleles (0.0023%); highest among the groups gnomAD compares: Admixed American, 0.015%; no homozygotes.

Submissions (6):

Victorian Clinical Genetics Services, Murdoch Childrens Research Institute
Classification: Uncertain significance for Long QT syndrome 1. Last evaluated: 2025-12-16. Review status: criteria provided, single submitter. Criteria: ACMG Guidelines, 2015. Collection method: clinical testing. Allele origin: germline. Affected: yes.
Comment: This variant is classified as VUS-3B. Evidence in support of pathogenic classification: Variant is present in gnomAD <0.001 for a dominant condition (v4: 37 heterozygote(s), 0 homozygote(s)). Additional information: Variant is predicted to result in a missense amino acid change from Arg to Gln; This variant is heterozygous; This gene is known to be associated with both recessive and dominant disease. JLNS is characterised by congenital, bilateral deafness and variable degrees of QT prolongation, and is the only condition caused by biallelic variants (PMID: 28438721); An alternative amino acid change at the same position has been observed in gnomAD (v2) (3 heterozygotes, 0 homozygotes); Previous evidence of pathogenicity for this variant is inconclusive. It has been classified as a VUS by multiple clinical testing laboratories, including in two individuals with long QT syndrome (ClinVar, VCGS). It has also been reported in the literature in an individual with hypertrophic cardiomyopathy, who also has variants in other cardiac disease genes (PMID: 23396983) and reported in individuals with either arrhythmias or cardiomyopathy; however, specific patient information was not provided (PMIDs: 39073097, 35947370, 37086329); No published segregation evidence has been identified for this variant; No published functional evidence has been identified for this variant; No comparable missense variants have previous evidence for pathogenicity; Variant is located in the annotated KCNQ channel domain (DECIPHER); Missense variant with inconclusive in silico prediction and/or uninformative conservation; Dominant negative, loss of function and gain of function are known mechanisms of disease in this gene. Gain of function variants result exclusively in short QT syndrome 2 (MIM#609621), while dominant negative and loss of function variants can cause long QT syndrome 1 (LQTS, MIM#192500), familial atrial fibrillation 3 (MIM#607554) as well as Jervell and Lange-Nielsen syndrome (JLNS, MIM#220400) (OMIM, PMIDs: 19632626, 28438721); The condition associated with this gene has incomplete penetrance (OMIM, PMID: 20301308); Inheritance information for this variant is not currently available in this individual.

Labcorp Genetics (formerly Invitae), Labcorp
Classification: Uncertain significance for Long QT syndrome. Last evaluated: 2025-11-21. Review status: criteria provided, single submitter. Criteria: Invitae Variant Classification Sherloc (09022015). Collection method: clinical testing. Allele origin: germline.
Comment: This sequence change replaces arginine, which is basic and polar, with glutamine, which is neutral and polar, at codon 507 of the KCNQ1 protein (p.Arg507Gln). This variant is present in population databases (rs369571296, gnomAD 0.02%). This missense change has been observed in individual(s) with clinical features of KCNQ1-related conditions (internal data). ClinVar contains an entry for this variant (Variation ID: 519296). Invitae Evidence Modeling of protein sequence and biophysical properties (such as structural, functional, and spatial information, amino acid conservation, physicochemical variation, residue mobility, and thermodynamic stability) indicates that this missense variant is not expected to disrupt KCNQ1 protein function with a negative predictive value of 95%. In summary, the available evidence is currently insufficient to determine the role of this variant in disease. Therefore, it has been classified as a Variant of Uncertain Significance.

Color Diagnostics, LLC DBA Color Health
Classification: Uncertain significance for Cardiac arrhythmia. Last evaluated: 2024-05-28. Review status: criteria provided, single submitter. Criteria: ACMG Guidelines, 2015. Collection method: clinical testing. Allele origin: germline.
Comment: This missense variant replaces arginine with glutamine at codon 507 of the KCNQ1 protein. Computational prediction is inconclusive regarding the impact of this variant on protein structure and function (internally defined REVEL score threshold 0.5 < inconclusive < 0.7, PMID: 27666373). To our knowledge, functional studies have not been reported for this variant. This variant has been reported in an individual affected with hypertrophic cardiomyopathy (PMID: 23396983). This variant has been identified in 12/251374 chromosomes in the general population by the Genome Aggregation Database (gnomAD). The available evidence is insufficient to determine the role of this variant in disease conclusively. Therefore, this variant is classified as a Variant of Uncertain Significance.

All of Us Research Program, National Institutes of Health
Classification: Uncertain significance for Long QT syndrome. Last evaluated: 2023-12-01. Review status: criteria provided, single submitter. Criteria: ACMG Guidelines, 2015. Collection method: clinical testing. Allele origin: germline. Inheritance: Autosomal dominant inheritance. Observed: 8 variant alleles, 8 heterozygotes.
Comment: This missense variant replaces arginine with glutamine at codon 507 of the KCNQ1 protein. Computational prediction is inconclusive regarding the impact of this variant on protein structure and function (internally defined REVEL score threshold 0.5 < inconclusive < 0.7, PMID: 27666373). To our knowledge, functional studies have not been reported for this variant. This variant has been reported in an individual affected with hypertrophic cardiomyopathy (PMID: 23396983). This variant has been identified in 12/251374 chromosomes in the general population by the Genome Aggregation Database (gnomAD). The available evidence is insufficient to determine the role of this variant in disease conclusively. Therefore, this variant is classified as a Variant of Uncertain Significance.

This study involves interpretation of variants in research participants for the purpose of population health screening. Participant phenotype was not available at the time of variant classification. Additional details can be found in publication PMID: 35346344, PMCID: PMC8962531

Fulgent Genetics
Classification: Uncertain significance for Beckwith-Wiedemann syndrome; Long QT syndrome 1; Jervell and Lange-Nielsen syndrome 1; Atrial fibrillation, familial, 3; Short QT syndrome type 2. Last evaluated: 2021-10-11. Review status: criteria provided, single submitter. Criteria: ACMG Guidelines, 2015. Collection method: clinical testing. Allele origin: unknown.

Ambry Genetics
Classification: Uncertain significance for Cardiovascular phenotype. Last evaluated: 2021-07-20. Review status: criteria provided, single submitter. Criteria: Ambry Variant Classification Scheme 2023. Collection method: clinical testing. Allele origin: germline.
Comment: The p.R507Q variant (also known as c.1520G>A), located in coding exon 12 of the KCNQ1 gene, results from a G to A substitution at nucleotide position 1520. The arginine at codon 507 is replaced by glutamine, an amino acid with highly similar properties. This alteration has been reported in a hypertrophic cardiomyopathy cohort and a control cohort; however, clinical details were limited (Lopes LR et al. J. Med. Genet. 2013 Apr; 50(4):228-39; Kapplinger JD et al. J Cardiovasc Transl Res 2015 Apr; 8(3):187-97). This amino acid position is not well conserved in available vertebrate species. In addition, the in silico prediction for this alteration is inconclusive. Since supporting evidence is limited at this time, the clinical significance of this alteration remains unclear.

Literature cited by the submitters: PubMed 19632626 (cited by Victorian Clinical Genetics Services, Murdoch Childrens Research Institute); PubMed 37086329 (cited by Victorian Clinical Genetics Services, Murdoch Childrens Research Institute); PubMed 39073097 (cited by Victorian Clinical Genetics Services, Murdoch Childrens Research Institute); PubMed 28438721 (cited by Victorian Clinical Genetics Services, Murdoch Childrens Research Institute); PubMed 20301308 (cited by Victorian Clinical Genetics Services, Murdoch Childrens Research Institute); PubMed 35947370 (cited by Victorian Clinical Genetics Services, Murdoch Childrens Research Institute); PubMed 23396983 (cited by 4 submitters); PubMed 25854863 (cited by Ambry Genetics).